The following is an entry in ClinVar:

NM_021930.6(RINT1):c.1673T>C (p.Phe558Ser)

Gene: RINT1 (RAD50 interactor 1; plus strand). Cytogenetic location: 7q22.3.
Variant type: single nucleotide variant.
Coding change: c.1673T>C on transcript NM_021930.6 (MANE Select); coding-DNA position 1673, T replaced by C.
Protein change: p.Phe558Ser; replaces phenylalanine 558 with serine.
Molecular consequence: missense variant. On other transcripts: non-coding transcript variant (1).
Genome position (GRCh38, 1-based): chr7:105,563,734, T>C. VCF-style: chr7-105563734-T-C. GRCh37 (hg19) VCF-style: chr7-105204181-T-C.
Other names: c.1439T>C, p.Phe480Ser (NM_001346599.2); c.650T>C, p.Phe217Ser (NM_001346600.2, NM_001346603.2); c.749T>C, p.Phe250Ser (NM_001346601.2); short protein forms F250S, F558S, F217S, F480S.
Identifiers: ClinVar variation 1504562 (VCV001504562.10), dbSNP rs2133463305, ClinGen allele CA368813419.

ClinVar aggregate classification (germline): Uncertain significance. Review status: criteria provided, multiple submitters, no conflicts (2 of 4 stars). 2 submissions from 2 submitters: Uncertain significance (2). Last evaluated 2022-01-15.

Submissions (2):

Ambry Genetics
Classification: Uncertain significance. Last evaluated: 2022-01-15. Review status: criteria provided, single submitter. Criteria: Ambry Variant Classification Scheme 2023. Collection method: clinical testing. Allele origin: germline.
Comment: The p.F558S variant (also known as c.1673T>C), located in coding exon 12 of the RINT1 gene, results from a T to C substitution at nucleotide position 1673. The phenylalanine at codon 558 is replaced by serine, an amino acid with highly dissimilar properties. This amino acid position is conserved. In addition, this alteration is predicted to be deleterious by in silico analysis. Since supporting evidence is limited at this time, the clinical significance of this alteration remains unclear.

Labcorp Genetics (formerly Invitae), Labcorp
Classification: Uncertain significance. Last evaluated: 2021-01-25. Review status: criteria provided, single submitter. Criteria: Invitae Variant Classification Sherloc (09022015). Collection method: clinical testing. Allele origin: germline.
Comment: In summary, the available evidence is currently insufficient to determine the role of this variant in disease. Therefore, it has been classified as a Variant of Uncertain Significance. Algorithms developed to predict the effect of missense changes on protein structure and function are either unavailable or do not agree on the potential impact of this missense change (SIFT: "Tolerated"; PolyPhen-2: "Probably Damaging"; Align-GVGD: "Class C0"). This variant has not been reported in the literature in individuals with RINT1-related conditions. This variant is not present in population databases (ExAC no frequency). This sequence change replaces phenylalanine with serine at codon 558 of the RINT1 protein (p.Phe558Ser). The phenylalanine residue is highly conserved and there is a large physicochemical difference between phenylalanine and serine.